The following is an entry in ClinVar:

NM_000179.3(MSH6):c.2919T>C (p.Gly973=)

Gene: MSH6 (mutS homolog 6; plus strand). Cytogenetic location: 2p16.3.
Variant type: single nucleotide variant.
Coding change: c.2919T>C on transcript NM_000179.3 (MANE Select); coding-DNA position 2919, T replaced by C.
Protein change: p.Gly973=; no amino-acid change (glycine 973 retained).
Molecular consequence: synonymous variant.
Genome position (GRCh38, 1-based): chr2:47,800,902, T>C. VCF-style: chr2-47800902-T-C. GRCh37 (hg19) VCF-style: chr2-48028041-T-C.
Other names: c.2529T>C, p.Gly843= (NM_001281492.2); c.2013T>C, p.Gly671= (NM_001281493.2, NM_001281494.2).
Identifiers: ClinVar variation 936284 (VCV000936284.14), dbSNP rs1057522150, ClinGen allele CA426122044.

ClinVar aggregate classification (germline): Conflicting classifications of pathogenicity. Review status: criteria provided, conflicting classifications (1 of 4 stars). 5 submissions from 5 submitters: Uncertain significance (1); Benign (1); Likely benign (3). Last evaluated 2025-01-02.

Conditions:
Hereditary nonpolyposis colorectal neoplasms. Identifiers: MedGen C0009405, MeSH D003123.
Hereditary cancer-predisposing syndrome. Also called: Tumor predisposition; Hereditary neoplastic syndrome; Hereditary Cancer Syndrome; Neoplastic Syndromes, Hereditary. Identifiers: Orphanet 140162, MedGen C0027672, MeSH D009386, MONDO:0015356.
Lynch syndrome 5 (LYNCH5). Also called: Hereditary non-polyposis colorectal cancer, type 5; Colorectal cancer, hereditary nonpolyposis, type 5. Identifiers: Orphanet 144, MedGen C1833477, MONDO:0013710, OMIM 614350. Disease mechanism: loss of function.

Allele frequency attached by ClinVar (database versions not stated): TOPMed below 0.00001.

Submissions (5):

Myriad Genetics, Inc.
Classification: Benign for Lynch syndrome 5. Last evaluated: 2025-01-02. Review status: criteria provided, single submitter. Criteria: Myriad Autosomal Dominant, Autosomal Recessive and X-Linked Classification Criteria (2023). Collection method: clinical testing. Allele origin: unknown.
Comment: This variant is considered benign. This variant is a silent/synonymous amino acid change and it is not expected to impact splicing.

Labcorp Genetics (formerly Invitae), Labcorp
Classification: Likely benign for Hereditary nonpolyposis colorectal neoplasms. Last evaluated: 2024-02-24. Review status: criteria provided, single submitter. Criteria: Invitae Variant Classification Sherloc (09022015). Collection method: clinical testing. Allele origin: germline.

Color Diagnostics, LLC DBA Color Health
Classification: Uncertain significance for Hereditary cancer-predisposing syndrome. Last evaluated: 2023-06-26. Review status: criteria provided, single submitter. Criteria: ACMG Guidelines, 2015. Collection method: clinical testing. Allele origin: germline.
Comment: This variant is located in the MSH6 protein. To our knowledge, functional studies have not been reported for this variant. This variant has not been reported in individuals affected with MSH6-related disorders in the literature. This variant has not been identified in the general population by the Genome Aggregation Database (gnomAD). The available evidence is insufficient to determine the role of this variant in disease conclusively. Therefore, this variant is classified as a Variant of Uncertain Significance.

Women's Health and Genetics/Laboratory Corporation of America, LabCorp
Classification: Likely benign. Last evaluated: 2022-11-19. Review status: criteria provided, single submitter. Criteria: LabCorp Variant Classification Summary - May 2015. Collection method: clinical testing. Allele origin: germline.

Ambry Genetics
Classification: Likely benign for Hereditary cancer-predisposing syndrome. Last evaluated: 2019-01-11. Review status: criteria provided, single submitter. Criteria: Ambry Variant Classification Scheme 2023. Collection method: clinical testing. Allele origin: germline.